The following is an entry in ClinVar:

ClinVar aggregate classification (germline): Likely benign. Review status: criteria provided, multiple submitters, no conflicts (2 of 4 stars). 3 submissions from 2 submitters: Likely benign (3). Last evaluated 2021-05-22.

Conditions:
Catecholaminergic polymorphic ventricular tachycardia 1. Also called: VENTRICULAR TACHYCARDIA, CATECHOLAMINERGIC POLYMORPHIC, 1, WITH OR WITHOUT ATRIAL DYSFUNCTION AND/OR DILATED CARDIOMYOPATHY; VENTRICULAR TACHYCARDIA, STRESS-INDUCED POLYMORPHIC 1; RYR2-Related Catecholaminergic Polymorphic Ventricular Tachycardia. Identifiers: Orphanet 3286, MedGen C1631597, MONDO:0011484, OMIM 604772.
Arrhythmogenic right ventricular dysplasia 2. Identifiers: MedGen C1832931.

Allele frequency attached by ClinVar (database versions not stated): gnomAD 0.01049 and 0.01131; 1000 Genomes Project 0.01158; 1000 Genomes Project 30x 0.01171; TOPMed 0.01187.

Submissions (3):

GeneDx
Classification: Likely benign. Last evaluated: 2021-05-22. Review status: criteria provided, single submitter. Criteria: GeneDx Variant Classification Process June 2021. Collection method: clinical testing. Allele origin: germline. Affected: yes.

Illumina Laboratory Services, Illumina
Classification: Likely benign for Catecholaminergic polymorphic ventricular tachycardia 1. Last evaluated: 2018-01-29. Review status: criteria provided, single submitter. Criteria: ICSL Variant Classification Criteria 13 December 2019. Collection method: clinical testing. Allele origin: germline.
Comment: This variant was observed as part of a predisposition screen in an ostensibly healthy population. A literature search was performed for the gene, cDNA change, and amino acid change (where applicable). No publications were found based on this search. Allele frequency data from public databases allowed determination this variant is unlikely to cause disease. Therefore, this variant is classified as likely benign.

Illumina Laboratory Services, Illumina
Classification: Likely benign for Catecholaminergic polymorphic ventricular tachycardia 1. Last evaluated: 2018-01-29. Review status: criteria provided, single submitter. Criteria: ICSL Variant Classification Criteria 13 December 2019. Collection method: clinical testing. Allele origin: germline.
Comment: the same text as in the submission from Illumina Laboratory Services, Illumina above.

NM_001035.3(RYR2):c.*1160A>G

Gene: RYR2 (ryanodine receptor 2; plus strand). Cytogenetic location: 1q43.
Variant type: single nucleotide variant.
Coding change: c.*1160A>G on transcript NM_001035.3 (MANE Select); 1160 bases downstream of the stop codon, A replaced by G.
Molecular consequence: 3 prime UTR variant.
Genome position (GRCh38, 1-based): chr1:237,833,807, A>G. VCF-style: chr1-237833807-A-G. GRCh37 (hg19) VCF-style: chr1-237997107-A-G.
Other names: c.*1160A>G (LRG_402t1).
Identifiers: ClinVar variation 296811 (VCV000296811.6), dbSNP rs114925843, ClinGen allele CA10610780.
Genomic context (GRCh38, chr1:237,833,807, plus strand): 5'-AAAGCTGAAGCAATATCCATTCAGGGATTTCATCAGTTGCATCACAAAACACGGATGATA[A>G]TATACATCACTCCATTTTTTCCATTTTGAGTCCTTTTAAATGTAATGCTAACCTTTACAA-3'